The following is an entry in ClinVar:

NM_000051.4(ATM):c.8785A>C (p.Arg2929=)

Genes: ATM (ATM serine/threonine kinase; plus strand), C11orf65 (chromosome 11 open reading frame 65; minus strand). Cytogenetic location: 11q22.3.
Variant type: single nucleotide variant.
Coding change: c.8785A>C on transcript NM_000051.4 (MANE Select); coding-DNA position 8785, A replaced by C.
Protein change: p.Arg2929=; no amino-acid change (arginine 2929 retained).
Molecular consequence: synonymous variant. On other transcripts: intron variant (2).
Genome position (GRCh38, 1-based): chr11:108,353,879, A>C. VCF-style: chr11-108353879-A-C. GRCh37 (hg19) VCF-style: chr11-108224606-A-C.
Other names: c.8785A>C, p.Arg2929= (NM_001351834.2); c.640+32041T>G (NM_001330368.2); c.695-18587T>G (NM_001351110.2).
Identifiers: ClinVar variation 453746 (VCV000453746.12), dbSNP rs1013290424, ClinGen allele CA228373546.

ClinVar aggregate classification (germline): Conflicting classifications of pathogenicity. Review status: criteria provided, conflicting classifications (1 of 4 stars). 3 submissions from 3 submitters: Uncertain significance (1); Likely benign (2). Last evaluated 2026-01-04.

Conditions:
Hereditary cancer-predisposing syndrome. Also called: Neoplastic Syndromes, Hereditary; Hereditary Cancer Syndrome; Tumor predisposition; Hereditary neoplastic syndrome. Identifiers: Orphanet 140162, MedGen C0027672, MeSH D009386, MONDO:0015356.
Ataxia-telangiectasia syndrome (AT). Also called: LOUIS-BAR SYNDROME; Cerebello-oculocutaneous telangiectasia; Immunodeficiency with ataxia telangiectasia; Ataxia-telangiectasia, complementation group D; AT, COMPLEMENTATION GROUP C; Ataxia-telangiectasia, complementation group E. Identifiers: Orphanet 100, MedGen C0004135, MONDO:0008840, OMIM 208900.

Allele frequency attached by ClinVar (database versions not stated): TOPMed 0.00001; gnomAD 0.00003; gnomAD exomes below 0.00001.
gnomAD v4.1: 1 of 1,609,648 alleles (0.000062%); highest among the groups gnomAD compares: Admixed American, 0.0017%; no homozygotes.

Submissions (3):

Labcorp Genetics (formerly Invitae), Labcorp
Classification: Uncertain significance for Ataxia-telangiectasia syndrome. Last evaluated: 2026-01-04. Review status: criteria provided, single submitter. Criteria: Invitae Variant Classification Sherloc (09022015). Collection method: clinical testing. Allele origin: germline.
Comment: This sequence change affects codon 2929 of the ATM mRNA. It is a 'silent' change, meaning that it does not change the encoded amino acid sequence of the ATM protein. It affects a nucleotide within the consensus splice site. This variant is present in population databases (no rsID available, gnomAD 0.1%). This variant has not been reported in the literature in individuals affected with ATM-related conditions. ClinVar contains an entry for this variant (Variation ID: 453746). Algorithms developed to predict the effect of sequence changes on RNA splicing suggest that this variant is not likely to affect RNA splicing. In summary, the available evidence is currently insufficient to determine the role of this variant in disease. Therefore, it has been classified as a Variant of Uncertain Significance.

Ambry Genetics
Classification: Likely benign for Hereditary cancer-predisposing syndrome. Last evaluated: 2025-03-02. Review status: criteria provided, single submitter. Criteria: Ambry Variant Classification Scheme 2023. Collection method: clinical testing. Allele origin: germline.

Color Diagnostics, LLC DBA Color Health
Classification: Likely benign for Hereditary cancer-predisposing syndrome. Last evaluated: 2019-10-18. Review status: criteria provided, single submitter. Criteria: ACMG Guidelines, 2015. Collection method: clinical testing. Allele origin: germline.